The following is an entry in ClinVar:

NM_005732.4(RAD50):c.2221G>C (p.Asp741His)

Gene: RAD50 (RAD50 double strand break repair protein; plus strand). Cytogenetic location: 5q31.1.
Variant type: single nucleotide variant.
Coding change: c.2221G>C on transcript NM_005732.4 (MANE Select); coding-DNA position 2221, G replaced by C.
Protein change: p.Asp741His; replaces aspartic acid 741 with histidine.
Molecular consequence: missense variant.
Genome position (GRCh38, 1-based): chr5:132,603,313, G>C. VCF-style: chr5-132603313-G-C. GRCh37 (hg19) VCF-style: chr5-131939005-G-C.
Other names: short protein forms D741H.
Identifiers: ClinVar variation 2579728 (VCV002579728.2), dbSNP rs2479664699, ClinGen allele CA360953684.

ClinVar aggregate classification (germline): Uncertain significance (1 of 4 stars; one submission).

Conditions:
Familial cancer of breast. Also called: Hereditary breast cancer; BREAST CANCER, FAMILIAL; hereditary breast carcinoma. Identifiers: Orphanet 227535, MedGen C0346153, MONDO:0016419, OMIM 114480. Disease mechanism: loss of function.

Submission:

KCCC/NGS Laboratory, Kuwait Cancer Control Center
Classification: Uncertain significance for Familial cancer of breast. Last evaluated: 2023-09-17. Review status: criteria provided, single submitter. Criteria: ACMG Guidelines, 2015. Collection method: clinical testing. Allele origin: germline. Inheritance: Autosomal dominant inheritance. Affected: yes. Observed: 1 heterozygote.
Comment: This sequence change replaces aspartic acid with histidine,at codon 741 of the RAD50 protein (p.Asp741His). This variant is not present in population databases (gnomAD no frequency). This amino acid position is conserved ( PhyloP=7.33). This variant has not been reported in the literature in individuals affected with RAD50-related conditions.In addition, this alteration is predicted to be tolerated by in silico analysis. In summary, the available evidence is currently insufficient to determine the role of this variant in disease. Therefore, it has been classified as a Variant of Uncertain Significance.